The following is an entry in ClinVar:

NM_078480.3(PUF60):c.1246_1251del (p.Lys416_Lys417del)

Gene: PUF60 (poly(U) binding splicing factor 60; minus strand). Cytogenetic location: 8q24.3.
Variant type: Deletion.
Coding change: c.1246_1251del on transcript NM_078480.3 (MANE Select); coding-DNA positions 1246 to 1251, 6 bases deleted (AAGAAG; older notation c.1246_1251delAAGAAG).
Protein change: p.Lys416_Lys417del.
Genome position (GRCh38, 1-based): chr8:143,817,039-143,817,044, CTTCTT deleted on the plus strand (AAGAAG on the coding strand, the reverse complement: PUF60 is on the minus strand). VCF-style (leftmost placement, unchanged base first): chr8-143817038-CCTTCTT-C. GRCh37 (hg19) VCF-style: chr8-144899208-CCTTCTT-C.
Other names: c.1117_1122del, p.Lys373_Lys374del (NM_001136033.3); c.1192_1197del, p.Lys398_Lys399del (NM_001271096.2); c.1108_1113del, p.Lys370_Lys371del (NM_001271097.2); c.1243_1248del, p.Lys415_Lys416del (NM_001271098.2); c.1159_1164del, p.Lys387_Lys388del (NM_001271099.2); c.1066_1071del, p.Lys356_Lys357del (NM_001271100.2); c.1357_1362del, p.Lys453_Lys454del (NM_001362895.2, NM_001362896.2); c.1306_1311del, p.Lys436_Lys437del (NM_001362897.2); and 1 more.
Identifiers: ClinVar variation 3893400 (VCV003893400.1).

ClinVar aggregate classification (germline): Uncertain significance (1 of 4 stars; one submission).

Submission:

GeneDx
Classification: Uncertain significance. Last evaluated: 2024-10-24. Review status: criteria provided, single submitter. Criteria: GeneDx Variant Classification Process June 2021. Collection method: clinical testing. Allele origin: germline. Affected: yes.
Comment: Not observed at significant frequency in large population cohorts (gnomAD); In-frame deletion of 2 amino acid(s) in a non-repeat region; In silico analysis indicates that this variant does not alter protein structure/function; Has not been previously published as pathogenic or benign to our knowledge